The following is an entry in ClinVar:

NM_001062.4(TCN1):c.980C>G (p.Pro327Arg)

Gene: TCN1 (transcobalamin 1; minus strand). Cytogenetic location: 11q12.1.
Variant type: single nucleotide variant.
Coding change: c.980C>G on transcript NM_001062.4 (MANE Select); coding-DNA position 980, C replaced by G.
Protein change: p.Pro327Arg; replaces proline 327 with arginine.
Molecular consequence: missense variant.
Genome position (GRCh38, 1-based): chr11:59,854,793, G>C on the plus strand (C>G on the coding strand, the complement: TCN1 is on the minus strand). VCF-style: chr11-59854793-G-C. GRCh37 (hg19) VCF-style: chr11-59622266-G-C.
Other names: short protein forms P327R.
Identifiers: ClinVar variation 618415 (VCV000618415.14), dbSNP rs36044892, ClinGen allele CA6021841.

ClinVar aggregate classification (germline): Uncertain significance. Review status: criteria provided, multiple submitters, no conflicts (2 of 4 stars). 3 submissions from 3 submitters: Uncertain significance (3). Last evaluated 2025-08-02.

Conditions:
Transcobalamin I deficiency (TCN1D). Also called: COBALAMIN PSEUDODEFICIENCY DUE TO TRANSCOBALAMIN DEFICIENCY; COBALAMIN R BINDER PROTEIN DEFICIENCY; TCN1 DEFICIENCY. Identifiers: Orphanet 2967, MedGen C0342700, MONDO:0008659, OMIM 193090.

Allele frequency attached by ClinVar (database versions not stated): gnomAD exomes 0.00004 and 0.00008; ExAC 0.00014; gnomAD 0.00026 and 0.00029; TOPMed 0.00037; ESP Exome Variant Server 0.00046; 1000 Genomes Project 0.00060; 1000 Genomes Project 30x 0.00062.
gnomAD v4.1: 108 of 1,614,014 alleles (0.0067%); highest among the groups gnomAD compares: African/African-American, 0.12%; no homozygotes.

Submissions (3):

Ambry Genetics
Classification: Uncertain significance. Last evaluated: 2025-08-02. Review status: criteria provided, single submitter. Criteria: Ambry Variant Classification Scheme 2023. Collection method: clinical testing. Allele origin: germline.

Labcorp Genetics (formerly Invitae), Labcorp
Classification: Uncertain significance for Transcobalamin I deficiency. Last evaluated: 2022-08-13. Review status: criteria provided, single submitter. Criteria: Invitae Variant Classification Sherloc (09022015). Collection method: clinical testing. Allele origin: germline.
Comment: This sequence change replaces proline, which is neutral and non-polar, with arginine, which is basic and polar, at codon 327 of the TCN1 protein (p.Pro327Arg). This variant is present in population databases (rs36044892, gnomAD 0.1%). This variant has not been reported in the literature in individuals affected with TCN1-related conditions. ClinVar contains an entry for this variant (Variation ID: 618415). Algorithms developed to predict the effect of missense changes on protein structure and function are either unavailable or do not agree on the potential impact of this missense change (SIFT: "Tolerated"; PolyPhen-2: "Probably Damaging"; Align-GVGD: "Class C0"). In summary, the available evidence is currently insufficient to determine the role of this variant in disease. Therefore, it has been classified as a Variant of Uncertain Significance.

ARUP Laboratories, Molecular Genetics and Genomics, ARUP Laboratories
Classification: Uncertain significance. Last evaluated: 2017-08-01. Review status: criteria provided, single submitter. Criteria: ARUP Molecular Germline Variant Investigation Process. Collection method: clinical testing. Allele origin: germline.
Comment: The p.Pro327Arg variant (rs36044892) has not been reported in the medical literature, gene specific variation databases, nor has it been previously identified by our laboratory. This variant is listed in the Genome Aggregation Database (gnomAD) with an overall population frequency of 0.01 percent (identified on 29 out of 276,890 chromosomes). The proline at position 327 is moderately conserved considering ten species (Alamut v2.9.0) and computational analyses of the effects of the variant on protein structure and function indicates conflicting results (SIFT: tolerated, MutationTaster: polymorphism, PolyPhen-2: possibly damaging). Altogether, there is not enough evidence to classify the p.Pro327Arg variant with certainty.